The following is an entry in ClinVar:

ClinVar aggregate classification (germline): Likely benign. Review status: criteria provided, multiple submitters, no conflicts (2 of 4 stars). 3 submissions from 3 submitters: Likely benign (3). Last evaluated 2026-01-13.

Conditions:
Eichsfeld type congenital muscular dystrophy (CMYO3). Also called: Rigid spine muscular dystrophy 1; MYOPATHY, SEPN1-RELATED; SELENON-related myopathy; Congenital myopathy 3 with rigid spine. Identifiers: MedGen C0410180, MONDO:0100100, OMIM 602771.

Allele frequency attached by ClinVar (database versions not stated): ExAC 0.00002; gnomAD 0.00002; gnomAD exomes 0.00002; TOPMed 0.00003; ESP Exome Variant Server 0.00008.
gnomAD v4.1: 30 of 1,614,062 alleles (0.0019%); highest among the groups gnomAD compares: Middle Eastern, 0.016%; no homozygotes.

Submissions (3):

Labcorp Genetics (formerly Invitae), Labcorp
Classification: Likely benign for Eichsfeld type congenital muscular dystrophy. Last evaluated: 2026-01-13. Review status: criteria provided, single submitter. Criteria: Invitae Variant Classification Sherloc (09022015). Collection method: clinical testing. Allele origin: germline.

Blueprint Genetics
Classification: Likely benign. Last evaluated: 2024-10-29. Review status: criteria provided, single submitter. Criteria: ACMG Guidelines, 2015. Collection method: clinical testing. Allele origin: germline.

GeneDx
Classification: Likely benign. Last evaluated: 2016-08-15. Review status: criteria provided, single submitter. Criteria: GeneDx Variant Classification (06012015). Collection method: clinical testing. Allele origin: germline. Affected: yes.
Comment: This variant is considered likely benign or benign based on one or more of the following criteria: it is a conservative change, it occurs at a poorly conserved position in the protein, it is predicted to be benign by multiple in silico algorithms, and/or has population frequency not consistent with disease.

NM_206926.2(SELENON):c.1542C>T (p.Ser514=)

Gene: SELENON (selenoprotein N; plus strand). Cytogenetic location: 1p36.11.
Variant type: single nucleotide variant.
Coding change: c.1542C>T on transcript NM_206926.2 (MANE Select); coding-DNA position 1542, C replaced by T.
Protein change: p.Ser514=; no amino-acid change (serine 514 retained).
Molecular consequence: synonymous variant.
Genome position (GRCh38, 1-based): chr1:25,815,589, C>T. VCF-style: chr1-25815589-C-T. GRCh37 (hg19) VCF-style: chr1-26142080-C-T.
Other names: c.1644C>T, p.Ser548= (NM_020451.3).
Identifiers: ClinVar variation 388328 (VCV000388328.10), dbSNP rs368507434, ClinGen allele CA696964.